The following is an entry in ClinVar:

ClinVar aggregate classification (germline): Uncertain significance (1 of 4 stars; one submission).

Conditions:
Familial cold autoinflammatory syndrome 3 (FCAS3). Also called: FAMILIAL ATYPICAL COLD URTICARIA; ANTIBODY DEFICIENCY AND IMMUNE DYSREGULATION, PLCG2-ASSOCIATED. Identifiers: Orphanet 300359, MedGen C3280914, MONDO:0013766, OMIM 614468.

Submission:

Labcorp Genetics (formerly Invitae), Labcorp
Classification: Uncertain significance for Familial cold autoinflammatory syndrome 3. Last evaluated: 2019-03-12. Review status: criteria provided, single submitter. Criteria: Invitae Variant Classification Sherloc (09022015). Collection method: clinical testing. Allele origin: germline.
Comment: Algorithms developed to predict the effect of missense changes on protein structure and function are either unavailable or do not agree on the potential impact of this missense change (SIFT: "Tolerated"; PolyPhen-2: "Possibly Damaging"; Align-GVGD: "Class C0"). In summary, the available evidence is currently insufficient to determine the role of this variant in disease. Therefore, it has been classified as a Variant of Uncertain Significance. This variant has not been reported in the literature in individuals with PLCG2-related disease. This variant is not present in population databases (ExAC no frequency). This sequence change replaces methionine with leucine at codon 277 of the PLCG2 protein (p.Met277Leu). The methionine residue is highly conserved and there is a small physicochemical difference between methionine and leucine.

NM_002661.5(PLCG2):c.829A>C (p.Met277Leu)

Gene: PLCG2 (phospholipase C gamma 2; plus strand). Cytogenetic location: 16q23.3.
Variant type: single nucleotide variant.
Coding change: c.829A>C on transcript NM_002661.5 (MANE Select); coding-DNA position 829, A replaced by C.
Protein change: p.Met277Leu; replaces methionine 277 with leucine.
Molecular consequence: missense variant.
Genome position (GRCh38, 1-based): chr16:81,889,235, A>C. VCF-style: chr16-81889235-A-C. GRCh37 (hg19) VCF-style: chr16-81922840-A-C.
Other names: short protein forms M277L.
Identifiers: ClinVar variation 570537 (VCV000570537.10), dbSNP rs372494175, ClinGen allele CA396897780.